The following is an entry in ClinVar:

ClinVar aggregate classification (germline): Uncertain significance. Review status: criteria provided, multiple submitters, no conflicts (2 of 4 stars). 2 submissions from 2 submitters: Uncertain significance (2). Last evaluated 2023-03-20.

Conditions:
Inborn genetic diseases. Identifiers: MedGen C0950123, MeSH D030342.

Submissions (2):

Ambry Genetics
Classification: Uncertain significance for Inborn genetic diseases. Last evaluated: 2023-03-20. Review status: criteria provided, single submitter. Criteria: Ambry Variant Classification Scheme 2023. Collection method: clinical testing. Allele origin: germline.

Labcorp Genetics (formerly Invitae), Labcorp
Classification: Uncertain significance. Last evaluated: 2022-09-19. Review status: criteria provided, single submitter. Criteria: Invitae Variant Classification Sherloc (09022015). Collection method: clinical testing. Allele origin: germline.
Comment: This sequence change replaces glycine, which is neutral and non-polar, with glutamic acid, which is acidic and polar, at codon 485 of the SLC26A3 protein (p.Gly485Glu). This variant is present in population databases (no rsID available, gnomAD 0.006%). This variant has not been reported in the literature in individuals affected with SLC26A3-related conditions. Advanced modeling of protein sequence and biophysical properties (such as structural, functional, and spatial information, amino acid conservation, physicochemical variation, residue mobility, and thermodynamic stability) performed at Invitae indicates that this missense variant is expected to disrupt SLC26A3 protein function. In summary, the available evidence is currently insufficient to determine the role of this variant in disease. Therefore, it has been classified as a Variant of Uncertain Significance.

NM_000111.3(SLC26A3):c.1454G>A (p.Gly485Glu)

Gene: SLC26A3 (solute carrier family 26 member 3; minus strand). Cytogenetic location: 7q22.3.
Variant type: single nucleotide variant.
Coding change: c.1454G>A on transcript NM_000111.3 (MANE Select); coding-DNA position 1454, G replaced by A.
Protein change: p.Gly485Glu; replaces glycine 485 with glutamic acid.
Molecular consequence: missense variant.
Genome position (GRCh38, 1-based): chr7:107,778,235, C>T on the plus strand (G>A on the coding strand, the complement: SLC26A3 is on the minus strand). VCF-style: chr7-107778235-C-T. GRCh37 (hg19) VCF-style: chr7-107418680-C-T.
Other names: short protein forms G485E.
Identifiers: ClinVar variation 1913884 (VCV001913884.4), dbSNP rs1479983912, ClinGen allele CA368851201.
Genomic context (GRCh38, chr7:107,778,235, plus strand): 5'-AATTGGGTCCTGAACACGATGGTTAGCAGTTGAAATGCCACACTAGCTGCCAGGCCTAAC[C>T]CGAGTCCCAGGACAATGGTGAAGATGAAGGTCATGATCCAAATTAACTGTGAAAAGAAAG-3'
Protein context (NP_000102.1, residues 475-495): TFIFTIVLGL[Gly485Glu]LGLAASVAFQ